The following is an entry in ClinVar:

ClinVar aggregate classification (germline): Uncertain significance (1 of 4 stars; one submission).

Submission:

GeneDx
Classification: Uncertain significance. Last evaluated: 2024-01-23. Review status: criteria provided, single submitter. Criteria: GeneDx Variant Classification Process June 2021. Collection method: clinical testing. Allele origin: germline. Affected: yes.
Comment: Not observed at significant frequency in large population cohorts (gnomAD); In silico analysis supports that this missense variant has a deleterious effect on protein structure/function; Has not been previously published as pathogenic or benign to our knowledge

NM_022455.5(NSD1):c.5269A>G (p.Arg1757Gly)

Gene: NSD1 (nuclear receptor binding SET domain protein 1; plus strand). Cytogenetic location: 5q35.3.
Variant type: single nucleotide variant.
Coding change: c.5269A>G on transcript NM_022455.5 (MANE Select); coding-DNA position 5269, A replaced by G.
Protein change: p.Arg1757Gly; replaces arginine 1757 with glycine.
Molecular consequence: missense variant.
Genome position (GRCh38, 1-based): chr5:177,267,684, A>G. VCF-style: chr5-177267684-A-G. GRCh37 (hg19) VCF-style: chr5-176694685-A-G.
Other names: c.4396A>G, p.Arg1466Gly (NM_001365684.2, NM_001409308.1, NM_001409309.1 and 1 more transcripts); c.5269A>G, p.Arg1757Gly (NM_001409301.1, NM_001409302.1, NM_001409303.1); c.4849A>G, p.Arg1617Gly (NM_001409304.1); c.4516A>G, p.Arg1506Gly (NM_001409305.1); c.4507A>G, p.Arg1503Gly (NM_001409306.1, NM_001409307.1); short protein forms R1466G, R1503G, R1506G, R1617G, R1757G.
Identifiers: ClinVar variation 3368276 (VCV003368276.1).